The following is an entry in ClinVar:

NM_024422.6(DSC2):c.1218T>G (p.Ile406Met)

Gene: DSC2 (desmocollin 2; minus strand). Cytogenetic location: 18q12.1.
Variant type: single nucleotide variant.
Coding change: c.1218T>G on transcript NM_024422.6 (MANE Select); coding-DNA position 1218, T replaced by G.
Protein change: p.Ile406Met; replaces isoleucine 406 with methionine.
Molecular consequence: missense variant.
Genome position (GRCh38, 1-based): chr18:31,082,283, A>C on the plus strand (T>G on the coding strand, the complement: DSC2 is on the minus strand). VCF-style: chr18-31082283-A-C. GRCh37 (hg19) VCF-style: chr18-28662249-A-C.
Other names: c.789T>G, p.Ile263Met (NM_001406506.1, NM_001406507.1); c.1218T>G, p.Ile406Met (NM_004949.5); short protein forms I263M, I406M.
Identifiers: ClinVar variation 4681042 (VCV004681042.2).
Genomic context (GRCh38, chr18:31,082,283, plus strand): 5'-CTAATTTATTCTTACCTTAACTACACAAAGAACTCCTTCATTGGTTTTGGCATCTGTTAC[A>C]ATTTTAAAATTGCCATTTTCATTGCCCTTTAAAATGGTATAATTAGCTCTCCAGTTAGCA-3'
Protein context (NP_077740.1, residues 396-416): LKGNENGNFK[Ile406Met]VTDAKTNEGV

ClinVar aggregate classification (germline): Uncertain significance (1 of 4 stars; one submission).

Submission:

GeneDx
Classification: Uncertain significance. Last evaluated: 2026-06-16. Review status: criteria provided, single submitter. Criteria: GeneDx Variant Classification Process June 2021. Collection method: clinical testing. Allele origin: germline.
Comment: Not observed at significant frequency in large population cohorts (gnomAD); In silico analysis supports that this missense variant has a deleterious effect on protein structure/function; Has not been previously published as pathogenic or benign to our knowledge